The following is an entry in ClinVar:

ClinVar aggregate classification (germline): Likely benign (1 of 4 stars; one submission).

Allele frequency attached by ClinVar (database versions not stated): gnomAD 0.00002; TOPMed 0.00002; gnomAD exomes 0.00004; ExAC 0.00006.
gnomAD v4.1: 54 of 1,577,678 alleles (0.0034%); highest among the groups gnomAD compares: Non-Finnish European, 0.0046%; no homozygotes.

Submission:

CeGaT Center for Human Genetics Tuebingen
Classification: Likely benign. Last evaluated: 2026-01-01. Review status: criteria provided, single submitter. Criteria: CeGaT Center For Human Genetics Tuebingen Variant Classification Criteria Version 2. Collection method: clinical testing. Allele origin: germline. Affected: yes. Observed: 2 variant alleles.
Comment: FOXP2: BP4

NM_014491.4(FOXP2):c.397-179C>T

Gene: FOXP2 (forkhead box P2; plus strand). Cytogenetic location: 7q31.1.
Variant type: single nucleotide variant.
Coding change: c.397-179C>T on transcript NM_014491.4 (MANE Select); 179 bases into the intron before coding-DNA position 397, C replaced by T.
Molecular consequence: intron variant. On other transcripts: missense variant (1), non-coding transcript variant (1).
Genome position (GRCh38, 1-based): chr7:114,629,626, C>T. VCF-style: chr7-114629626-C-T. GRCh37 (hg19) VCF-style: chr7-114269681-C-T.
Other names: c.-970C>T (NM_001172777.1); c.431C>T, p.Ala144Val (NM_148900.4); c.472-179C>T (NM_148898.4, NM_001172767.2); c.397-179C>T (NM_001172766.3, NM_148899.3); short protein forms A144V.
Identifiers: ClinVar variation 2657952 (VCV002657952.24), dbSNP rs773069565, ClinGen allele CA4445790.
Genomic context (GRCh38, chr7:114,629,626, plus strand): 5'-CAGACTTTCTATACCCTTTTGTTTAGGATTTTTTGGATTCTGGATTGGAAAATTTCAGAG[C>T]TGCCTTGGAAAAAAATGTATGTAGAGCTGTCTCTTTGAATCCAATGTATATTTTTTGTTG-3'